The following is an entry in ClinVar:

ClinVar aggregate classification (germline): Pathogenic (1 of 4 stars; one submission).

Conditions:
Inborn genetic diseases. Identifiers: MedGen C0950123, MeSH D030342.

Submission:

Ambry Genetics
Classification: Pathogenic for Inborn genetic diseases. Last evaluated: 2025-09-24. Review status: criteria provided, single submitter. Criteria: Ambry Variant Classification Scheme 2023. Collection method: clinical testing. Allele origin: germline.
Comment: The c.1881T>A (p.C627*) alteration, located in exon 12 (coding exon 12) of the EHMT1 gene, consists of a T to A substitution at nucleotide position 1881. This changes the amino acid from a cysteine (C) to a stop codon at amino acid position 627. This alteration is expected to result in loss of function by premature protein truncation or nonsense-mediated mRNA decay. This variant was not reported in population-based cohorts in the Genome Aggregation Database (gnomAD). Based on the available evidence, this alteration is classified as pathogenic.

NM_024757.5(EHMT1):c.1881T>A (p.Cys627Ter)

Gene: EHMT1 (euchromatic histone lysine methyltransferase 1; plus strand). Cytogenetic location: 9q34.3.
Variant type: single nucleotide variant.
Coding change: c.1881T>A on transcript NM_024757.5 (MANE Select); coding-DNA position 1881, T replaced by A.
Protein change: p.Cys627Ter; replaces cysteine 627 with a stop codon.
Molecular consequence: nonsense.
Genome position (GRCh38, 1-based): chr9:137,776,707, T>A. VCF-style: chr9-137776707-T-A. GRCh37 (hg19) VCF-style: chr9-140671159-T-A.
Other names: c.1881T>A, p.Cys627Ter (NM_001145527.2); c.1788T>A, p.Cys596Ter (NM_001354259.2); c.1860T>A, p.Cys620Ter (NM_001354263.2); short protein forms C596*, C627*, C620*.
Identifiers: ClinVar variation 4618298 (VCV004618298.1).